The following is an entry in ClinVar:

ClinVar aggregate classification (germline): Uncertain significance (1 of 4 stars; one submission).

Conditions:
Hereditary nonpolyposis colorectal neoplasms. Identifiers: MedGen C0009405, MeSH D003123.

Submission:

Labcorp Genetics (formerly Invitae), Labcorp
Classification: Uncertain significance for Hereditary nonpolyposis colorectal neoplasms. Last evaluated: 2025-10-07. Review status: criteria provided, single submitter. Criteria: Invitae Variant Classification Sherloc (09022015). Collection method: clinical testing. Allele origin: germline.
Comment: This sequence change replaces proline, which is neutral and non-polar, with alanine, which is neutral and non-polar, at codon 470 of the PMS2 protein (p.Pro470Ala). This variant is not present in population databases (gnomAD no frequency). This variant has not been reported in the literature in individuals affected with PMS2-related conditions. Invitae Evidence Modeling incorporating data from in vitro experimental studies (internal data) indicates that this missense variant is not expected to disrupt PMS2 function with a negative predictive value of 95%. In summary, the available evidence is currently insufficient to determine the role of this variant in disease. Therefore, it has been classified as a Variant of Uncertain Significance.

NM_000535.7(PMS2):c.1408C>G (p.Pro470Ala)

Gene: PMS2 (PMS1 homolog 2, mismatch repair system component; minus strand). Cytogenetic location: 7p22.1.
Variant type: single nucleotide variant.
Coding change: c.1408C>G on transcript NM_000535.7 (MANE Select); coding-DNA position 1408, C replaced by G.
Protein change: p.Pro470Ala; replaces proline 470 with alanine.
Molecular consequence: missense variant. On other transcripts: non-coding transcript variant (1), intron variant (1).
Genome position (GRCh38, 1-based): chr7:5,987,357, G>C on the plus strand (C>G on the coding strand, the complement: PMS2 is on the minus strand). VCF-style: chr7-5987357-G-C. GRCh37 (hg19) VCF-style: chr7-6026988-G-C.
Other names: c.1003C>G, p.Pro335Ala (NM_001322003.2, NM_001322004.2, NM_001322005.2 and 16 more transcripts); c.1252C>G, p.Pro418Ala (NM_001322006.2, NM_001406870.1); c.1090C>G, p.Pro364Ala (NM_001322007.2, NM_001322008.2, NM_001406876.1 and 2 more transcripts); c.847C>G, p.Pro283Ala (NM_001322010.2, NM_001406906.1, NM_001406907.1); c.475C>G, p.Pro159Ala (NM_001322011.2, NM_001322012.2); c.835C>G, p.Pro279Ala (NM_001322013.2, NM_001406909.1); c.1408C>G, p.Pro470Ala (NM_001322014.2, NM_001406871.1, NM_001406872.1); c.1099C>G, p.Pro367Ala (NM_001322015.2, NM_001406875.1, NM_001406877.1 and 5 more transcripts); and 13 more; short protein forms P213A, P348A, P367A, P414A, P470A, P279A, P283A, P335A.
Identifiers: ClinVar variation 4711111 (VCV004711111.1).
Genomic context (GRCh38, chr7:5,987,357, plus strand): 5'-CCTCCGCTCTGTCCGTAGGGTCACTGGGTCCGTGACTGGAACTCACTGCCTCTTTCTGAG[G>C]TCTCAGGACGCCTTTGTCAGAGATGGCACCTGAAGTGCTAGAAGACAGCATACCCCTTTT-3'
Protein context (NP_000526.2, residues 460-480): GAISDKGVLR[Pro470Ala]QKEAVSSSHG